The following is an entry in ClinVar:

NM_139057.4(ADAMTS17):c.1685G>T (p.Gly562Val)

Genes: ADAMTS17 (ADAM metallopeptidase with thrombospondin type 1 motif 17; minus strand), LOC130058037 (ATAC-STARR-seq lymphoblastoid active region 10166; plus strand). Cytogenetic location: 15q26.3.
Variant type: single nucleotide variant.
Coding change: c.1685G>T on transcript NM_139057.4 (MANE Select); coding-DNA position 1685, G replaced by T.
Protein change: p.Gly562Val; replaces glycine 562 with valine.
Molecular consequence: missense variant.
Genome position (GRCh38, 1-based): chr15:100,132,043, C>A on the plus strand (G>T on the coding strand, the complement: ADAMTS17 is on the minus strand). VCF-style: chr15-100132043-C-A. GRCh37 (hg19) VCF-style: chr15-100672248-C-A.
Other names: c.1685G>T (NM_139057.2); short protein forms G562V.
Identifiers: ClinVar variation 1516699 (VCV001516699.5), dbSNP rs202203873, ClinGen allele CA7758125.

ClinVar aggregate classification (germline): Uncertain significance. Review status: criteria provided, multiple submitters, no conflicts (2 of 4 stars). 2 submissions from 2 submitters: Uncertain significance (2). Last evaluated 2025-04-04.

Conditions:
Inborn genetic diseases. Identifiers: MedGen C0950123, MeSH D030342.

Allele frequency attached by ClinVar (database versions not stated): ESP Exome Variant Server 0.00054; ExAC 0.00008; gnomAD exomes 0.00012 and 0.00020.
gnomAD v4.1: 315 of 1,613,844 alleles (0.02%); highest among the groups gnomAD compares: Non-Finnish European, 0.026%; no homozygotes.

Submissions (2):

Ambry Genetics
Classification: Uncertain significance for Inborn genetic diseases. Last evaluated: 2025-04-04. Review status: criteria provided, single submitter. Criteria: Ambry Variant Classification Scheme 2023. Collection method: clinical testing. Allele origin: germline.

Labcorp Genetics (formerly Invitae), Labcorp
Classification: Uncertain significance. Last evaluated: 2022-05-31. Review status: criteria provided, single submitter. Criteria: Invitae Variant Classification Sherloc (09022015). Collection method: clinical testing. Allele origin: germline.
Comment: This sequence change replaces glycine, which is neutral and non-polar, with valine, which is neutral and non-polar, at codon 562 of the ADAMTS17 protein (p.Gly562Val). This variant is present in population databases (rs202203873, gnomAD 0.03%). This variant has not been reported in the literature in individuals affected with ADAMTS17-related conditions. ClinVar contains an entry for this variant (Variation ID: 1516699). Algorithms developed to predict the effect of missense changes on protein structure and function are either unavailable or do not agree on the potential impact of this missense change (SIFT: "Not Available"; PolyPhen-2: "Probably Damaging"; Align-GVGD: "Not Available"). In summary, the available evidence is currently insufficient to determine the role of this variant in disease. Therefore, it has been classified as a Variant of Uncertain Significance.